The following is an entry in ClinVar:

ClinVar aggregate classification (germline): Benign. Review status: criteria provided, multiple submitters, no conflicts (2 of 4 stars). 3 submissions from 3 submitters: Benign (3). Last evaluated 2024-01-24.

Allele frequency attached by ClinVar (database versions not stated): ESP Exome Variant Server 0.16412; gnomAD 0.19161 and 0.19222; TOPMed 0.21488; 1000 Genomes Project 0.27196; 1000 Genomes Project 30x 0.27327.
gnomAD v4.1: 172,363 of 1,592,758 alleles (11%); highest among the groups gnomAD compares: African/African-American, 39%; 16,980 homozygotes.

Submissions (3):

Unidad de Genómica Garrahan, Hospital de Pediatría Garrahan
Classification: Benign. Last evaluated: 2024-01-24. Review status: criteria provided, single submitter. Criteria: ACMG Guidelines, 2015. Collection method: clinical testing. Allele origin: germline. Affected: no. Observed: 45 variant alleles.
Comment: This variant is classified as Benign based on local population frequency. This variant was detected in 47% of patients studied by a panel of primary immunodeficiencies. Number of patients: 45. Only high quality variants are reported.

GeneDx
Classification: Benign. Last evaluated: 2018-09-16. Review status: criteria provided, single submitter. Criteria: GeneDx Variant Classification Process June 2021. Collection method: clinical testing. Allele origin: germline. Affected: yes.

Breakthrough Genomics
Classification: Benign. Review status: criteria provided, single submitter. Criteria: ACMG Guidelines, 2015. Collection method: not provided. Allele origin: germline. Inheritance: Autosomal recessive inheritance. Affected: yes.

NM_020964.3(EPG5):c.2553+35C>T

Gene: EPG5 (ectopic P-granules 5 autophagy tethering factor; minus strand). Cytogenetic location: 18q21.1.
Variant type: single nucleotide variant.
Coding change: c.2553+35C>T on transcript NM_020964.3 (MANE Select); 35 bases into the intron after coding-DNA position 2553, C replaced by T.
Molecular consequence: intron variant.
Genome position (GRCh38, 1-based): chr18:45,928,834, G>A on the plus strand (C>T on the coding strand, the complement: EPG5 is on the minus strand). VCF-style: chr18-45928834-G-A. GRCh37 (hg19) VCF-style: chr18-43508800-G-A.
Identifiers: ClinVar variation 1244781 (VCV001244781.5), dbSNP rs9965433, ClinGen allele CA8949397.